The following is an entry in ClinVar:

ClinVar aggregate classification (germline): Uncertain significance. Review status: criteria provided, multiple submitters, no conflicts (2 of 4 stars). 2 submissions from 2 submitters: Uncertain significance (2). Last evaluated 2025-10-13.

Allele frequency attached by ClinVar (database versions not stated): gnomAD 0.00001.

Submissions (2):

Labcorp Genetics (formerly Invitae), Labcorp
Classification: Uncertain significance. Last evaluated: 2025-10-13. Review status: criteria provided, single submitter. Criteria: Invitae Variant Classification Sherloc (09022015). Collection method: clinical testing. Allele origin: germline.
Comment: This sequence change replaces arginine, which is basic and polar, with histidine, which is basic and polar, at codon 291 of the EIF2AK1 protein (p.Arg291His). This variant is present in population databases (rs776764273, gnomAD 0.003%). This variant has not been reported in the literature in individuals affected with EIF2AK1-related conditions. ClinVar contains an entry for this variant (Variation ID: 2515162). An algorithm developed to predict the effect of missense changes on protein structure and function outputs the following: PolyPhen-2: "Benign". The histidine amino acid residue is found in multiple mammalian species, which suggests that this missense change does not adversely affect protein function. In summary, the available evidence is currently insufficient to determine the role of this variant in disease. Therefore, it has been classified as a Variant of Uncertain Significance.

Ambry Genetics
Classification: Uncertain significance. Last evaluated: 2023-05-05. Review status: criteria provided, single submitter. Criteria: Ambry Variant Classification Scheme 2023. Collection method: clinical testing. Allele origin: germline.

NM_014413.4(EIF2AK1):c.872G>A (p.Arg291His)

Gene: EIF2AK1 (eukaryotic translation initiation factor 2 alpha kinase 1; minus strand). Cytogenetic location: 7p22.1.
Variant type: single nucleotide variant.
Coding change: c.872G>A on transcript NM_014413.4 (MANE Select); coding-DNA position 872, G replaced by A.
Protein change: p.Arg291His; replaces arginine 291 with histidine.
Molecular consequence: missense variant.
Genome position (GRCh38, 1-based): chr7:6,041,139, C>T on the plus strand (G>A on the coding strand, the complement: EIF2AK1 is on the minus strand). VCF-style: chr7-6041139-C-T. GRCh37 (hg19) VCF-style: chr7-6080770-C-T.
Other names: c.869G>A, p.Arg290His (NM_001134335.2); short protein forms R290H, R291H.
Identifiers: ClinVar variation 2515162 (VCV002515162.4), dbSNP rs776764273, ClinGen allele CA4151016.
Genomic context (GRCh38, chr7:6,041,139, plus strand): 5'-AAATTGGTGGTGTACTTCACCGACTTGTTATTCTGATTTTCAGTGTCAGATTCTCCAAAG[C>T]GTTTTTCTTTTTCTGGGGTGGGCTCAGCAAAGATAATGGATGAGCTGCTACTTTCATCAT-3'
Protein context (NP_055228.2, residues 281-301): FAEPTPEKEK[Arg291His]FGESDTENQN